The following is an entry in ClinVar:

ClinVar aggregate classification (germline): Uncertain significance. Review status: criteria provided, multiple submitters, no conflicts (2 of 4 stars). 3 submissions from 3 submitters: Uncertain significance (3). Last evaluated 2026-07-14.

Conditions:
SIX5-related disorder. Also called: SIX5-related condition.

Allele frequency attached by ClinVar (database versions not stated): gnomAD 0.00001; TOPMed 0.00004.

Submissions (3):

PreventionGenetics, part of Exact Sciences
Classification: Uncertain significance for SIX5-related condition. Last evaluated: 2026-07-14. Review status: criteria provided, single submitter. Criteria: ACMG Guidelines, 2015. Collection method: clinical testing. Allele origin: germline.
Comment: The SIX5 c.952T>C variant is predicted to result in the amino acid substitution p.Ser318Pro. To our knowledge, this variant has not been reported in the literature. This variant is reported in 0.0020% of alleles in individuals of European (Non-Finnish) descent in gnomAD. At this time, the clinical significance of this variant is uncertain due to the absence of conclusive functional and genetic evidence.

Ambry Genetics
Classification: Uncertain significance. Last evaluated: 2025-02-08. Review status: criteria provided, single submitter. Criteria: Ambry Variant Classification Scheme 2023. Collection method: clinical testing. Allele origin: germline.

Labcorp Genetics (formerly Invitae), Labcorp
Classification: Uncertain significance. Last evaluated: 2023-11-27. Review status: criteria provided, single submitter. Criteria: Invitae Variant Classification Sherloc (09022015). Collection method: clinical testing. Allele origin: germline.
Comment: This sequence change replaces serine, which is neutral and polar, with proline, which is neutral and non-polar, at codon 318 of the SIX5 protein (p.Ser318Pro). The frequency data for this variant in the population databases is considered unreliable, as metrics indicate poor data quality at this position in the gnomAD database. This variant has not been reported in the literature in individuals affected with SIX5-related conditions. Advanced modeling of protein sequence and biophysical properties (such as structural, functional, and spatial information, amino acid conservation, physicochemical variation, residue mobility, and thermodynamic stability) performed at Invitae indicates that this missense variant is not expected to disrupt SIX5 protein function with a negative predictive value of 80%. In summary, the available evidence is currently insufficient to determine the role of this variant in disease. Therefore, it has been classified as a Variant of Uncertain Significance.

NM_175875.5(SIX5):c.952T>C (p.Ser318Pro)

Genes: SIX5 (SIX homeobox 5; minus strand), LOC107075317 (origin of replication in DMPK trinucleotide repeat region; plus strand). Cytogenetic location: 19q13.32.
Variant type: single nucleotide variant.
Coding change: c.952T>C on transcript NM_175875.5 (MANE Select); coding-DNA position 952, T replaced by C.
Protein change: p.Ser318Pro; replaces serine 318 with proline.
Molecular consequence: missense variant.
Genome position (GRCh38, 1-based): chr19:45,767,007, A>G on the plus strand (T>C on the coding strand, the complement: SIX5 is on the minus strand). VCF-style: chr19-45767007-A-G. GRCh37 (hg19) VCF-style: chr19-46270265-A-G.
Other names: c.952T>C (NM_175875.4); short protein forms S318P.
Identifiers: ClinVar variation 3015612 (VCV003015612.5), dbSNP rs1348543725, ClinGen allele CA406420850.